The following is an entry in ClinVar:

NM_002900.3(RBP3):c.3341G>A (p.Arg1114Gln)

Gene: RBP3 (retinol binding protein 3; plus strand). Cytogenetic location: 10q11.22.
Variant type: single nucleotide variant.
Coding change: c.3341G>A on transcript NM_002900.3 (MANE Select); coding-DNA position 3341, G replaced by A.
Protein change: p.Arg1114Gln; replaces arginine 1114 with glutamine.
Molecular consequence: missense variant.
Genome position (GRCh38, 1-based): chr10:47,355,471, G>A. VCF-style: chr10-47355471-G-A. GRCh37 (hg19) VCF-style: chr10-48383891-C-T.
Other names: short protein forms R1114Q.
Identifiers: ClinVar variation 1356195 (VCV001356195.10), dbSNP rs201185969, ClinGen allele CA5487077.
Genomic context (GRCh38, chr10:47,355,471, plus strand): 5'-TCTTGTGCTCCTACTTCTTTGATGAAGGCCCTCCAGTTCTGCTGGACAAGATCTACAGCC[G>A]GCCTGATGACTCTGTCAGTGAACTCTGGACACACGCCCAGGTTGTAGGTACGTGGAGAAG-3'
Protein context (NP_002891.1, residues 1104-1124): PPVLLDKIYS[Arg1114Gln]PDDSVSELWT

ClinVar aggregate classification (germline): Conflicting classifications of pathogenicity. Review status: criteria provided, conflicting classifications (1 of 4 stars). 5 submissions from 5 submitters: Likely pathogenic (1); Uncertain significance (3). 1 of the submissions does not count toward it. Last evaluated 2024-05-10.

Conditions:
Retinal dystrophy. Also called: Inherited retinal dystrophy. Identifiers: Orphanet 71862, MedGen C0854723, MeSH D058499, MONDO:0019118, HP:0000556.
Retinitis pigmentosa 66 (RP66). Identifiers: Orphanet 791, MedGen C3715216, MONDO:0014093, OMIM 615233.

Allele frequency attached by ClinVar (database versions not stated): gnomAD exomes 0.00001 and 0.00002; ExAC 0.00002; gnomAD 0.00003 and 0.00004; ESP Exome Variant Server 0.00008.
gnomAD v4.1: 20 of 1,614,036 alleles (0.0012%); highest among the groups gnomAD compares: African/African-American, 0.0093%; no homozygotes.

Submissions (5):

Blueprint Genetics
Classification: Uncertain significance. Last evaluated: 2024-05-10. Review status: criteria provided, single submitter. Criteria: ACMG Guidelines, 2015. Collection method: clinical testing. Allele origin: germline.

GeneDx
Classification: Uncertain significance. Last evaluated: 2023-03-13. Review status: criteria provided, single submitter. Criteria: GeneDx Variant Classification Process June 2021. Collection method: clinical testing. Allele origin: germline. Affected: yes.
Comment: In silico analysis supports that this missense variant has a deleterious effect on protein structure/function; This variant is associated with the following publications: (PMID: Gombosh[poster])

Labcorp Genetics (formerly Invitae), Labcorp
Classification: Uncertain significance. Last evaluated: 2021-04-11. Review status: criteria provided, single submitter. Criteria: Invitae Variant Classification Sherloc (09022015). Collection method: clinical testing. Allele origin: germline.
Comment: This sequence change replaces arginine with glutamine at codon 1114 of the RBP3 protein (p.Arg1114Gln). The arginine residue is highly conserved and there is a small physicochemical difference between arginine and glutamine. This variant is present in population databases (rs201185969, ExAC 0.01%). This variant has not been reported in the literature in individuals with RBP3-related conditions. Algorithms developed to predict the effect of missense changes on protein structure and function (SIFT, PolyPhen-2, Align-GVGD) all suggest that this variant is likely to be disruptive, but these predictions have not been confirmed by published functional studies and their clinical significance is uncertain. In summary, the available evidence is currently insufficient to determine the role of this variant in disease. Therefore, it has been classified as a Variant of Uncertain Significance.

Institute of Human Genetics Munich, TUM University Hospital
Classification: Likely pathogenic for Retinitis pigmentosa 66. Last evaluated: 2019-06-07. Review status: criteria provided, single submitter. Criteria: Classification criteria August 2017. Collection method: clinical testing. Allele origin: paternal. Inheritance: Autosomal recessive inheritance. Affected: yes. Observed: 1 variant allele.

Institute of Human Genetics, Univ. Regensburg, Univ. Regensburg
Classification: Likely pathogenic for Retinal dystrophy. Last evaluated: 2018-01-01. Review status: no assertion criteria provided. Criteria: ACMG Guidelines, 2015. Collection method: clinical testing. Allele origin: germline. Affected: yes. Not counted in ClinVar's aggregate classification.